The following is an entry in ClinVar:

ClinVar aggregate classification (germline): Uncertain significance. Review status: criteria provided, single submitter (1 of 4 stars). 2 submissions from 1 submitter: Uncertain significance (2). Last evaluated 2022-08-23.

Conditions:
Seizures, benign familial infantile, 3 (BFIS3). Also called: CONVULSIONS, BENIGN FAMILIAL INFANTILE, 3; Familial neonatal seizures. Identifiers: Orphanet 140927, Orphanet 306, MedGen C1843140, MONDO:0011904, OMIM 607745.
Developmental and epileptic encephalopathy, 11 (DEE11). Also called: Early infantile epileptic encephalopathy 11. Identifiers: Orphanet 1934, MedGen C3150987, MONDO:0013388, OMIM 613721.
Neuropathy, hereditary sensory and autonomic, type 2A (HSAN2A). Also called: ACROOSTEOLYSIS, GIACCAI TYPE; ACROOSTEOLYSIS, NEUROGENIC; MORVAN DISEASE; NEUROPATHY, CONGENITAL SENSORY; NEUROPATHY, HEREDITARY SENSORY RADICULAR, AUTOSOMAL RECESSIVE; NEUROPATHY, HEREDITARY SENSORY, TYPE IIA. Identifiers: Orphanet 970, MedGen C2752089, MONDO:0024309, OMIM 201300.
Generalized epilepsy with febrile seizures plus, type 7 (GEFSP7). Also called: GEFS+, TYPE 7. Identifiers: Orphanet 36387, MedGen C2751778, MONDO:0013470, OMIM 613863.

Submissions (2):

Labcorp Genetics (formerly Invitae), Labcorp
Classification: Uncertain significance for Neuropathy, hereditary sensory and autonomic, type 2A; Generalized epilepsy with febrile seizures plus, type 7. Last evaluated: 2022-08-23. Review status: criteria provided, single submitter. Criteria: Invitae Variant Classification Sherloc (09022015). Collection method: clinical testing. Allele origin: germline.
Comment: A copy number gain of the genomic region encompassing the full coding sequence of the SCN9A gene has been identified. The boundaries of this event are unknown as they extend beyond the assayed region for this gene and therefore may encompass additional genes. As the precise location of this event is unknown, it may be in tandem or it may be located elsewhere in the genome. Isolated whole-gene duplications of SCN9A have not been reported in the literature. However, larger copy number events that include this gene have been reported (PMID: 21692795, 23016767). In summary, the available evidence is currently insufficient to determine the role of this variant in disease. Therefore, it has been classified as a Variant of Uncertain Significance.

Labcorp Genetics (formerly Invitae), Labcorp
Classification: Uncertain significance for Seizures, benign familial infantile, 3; Developmental and epileptic encephalopathy, 11. Last evaluated: 2022-08-23. Review status: criteria provided, single submitter. Criteria: Invitae Variant Classification Sherloc (09022015). Collection method: clinical testing. Allele origin: germline.
Comment: This variant results in a copy number gain of the genomic region encompassing exon(s) 17-27 of the SCN2A gene. This region includes the termination codon of the gene. This copy number gain extends beyond the assayed region for this gene and therefore may encompass additional genes. As the precise location of this event is unknown, it may be in tandem or it may be located elsewhere in the genome. This variant has not been reported in the literature in individuals affected with SCN2A-related conditions. Experimental studies and prediction algorithms are not available or were not evaluated, and the functional significance of this variant is currently unknown. In summary, the available evidence is currently insufficient to determine the role of this variant in disease. Therefore, it has been classified as a Variant of Uncertain Significance.

Literature cited by the submitters: PubMed 21692795; PubMed 23016767.

NC_000002.11:g.(?_166210682)_(167168266_?)dup

Genes: CSRNP3 (cysteine and serine rich nuclear protein 3; plus strand), GALNT3 (polypeptide N-acetylgalactosaminyltransferase 3; minus strand), SCN1A (sodium voltage-gated channel alpha subunit 1; minus strand), SCN2A (sodium voltage-gated channel alpha subunit 2; plus strand), SCN9A (sodium voltage-gated channel alpha subunit 9; minus strand) and 1 more. Cytogenetic location: 2q24.3.
Variant type: Duplication.
Identifiers: ClinVar variation 2424589 (VCV002424589.5).